The following is an entry in ClinVar:

ClinVar aggregate classification (germline): Uncertain significance (1 of 4 stars; one submission).

Submission:

CeGaT Center for Human Genetics Tuebingen
Classification: Uncertain significance. Last evaluated: 2026-07-01. Review status: criteria provided, single submitter. Criteria: CeGaT Center For Human Genetics Tuebingen Variant Classification Criteria Version 2. Collection method: clinical testing. Allele origin: germline. Affected: yes. Observed: 1 variant allele.
Comment: PRNP: PM4

NM_000311.5(PRNP):c.222_245dup (p.Gln91_Gly92insProHisGlyGlyGlyTrpGlyGln)

Gene: PRNP (prion protein (Kanno blood group); plus strand). Cytogenetic location: 20p13.
Variant type: Duplication.
Coding change: c.222_245dup on transcript NM_000311.5 (MANE Select); coding-DNA positions 222 to 245, 24 bases duplicated (GCAGCCCCATGGTGGTGGCTGGGG).
Protein change: p.Gln91_Gly92insProHisGlyGlyGlyTrpGlyGln.
Molecular consequence: inframe insertion.
Genome position (GRCh38, 1-based): chr20:4,699,442-4,699,465, GCAGCCCCATGGTGGTGGCTGGGG duplicated; duplicating any 24 consecutive bases within chr20:4,699,425-4,699,465 gives the same sequence; the c. name uses the placement nearest the transcript's 3' end. VCF-style (leftmost placement, unchanged base first): chr20-4699424-T-TCATGGTGGTGGCTGGGGGCAGCCC. GRCh37 (hg19) VCF-style: chr20-4680070-T-TCATGGTGGTGGCTGGGGGCAGCCC.
Other names: c.222_245dup, p.Gln91_Gly92insProHisGlyGlyGlyTrpGlyGln (NM_001080121.3, NM_001080122.3, NM_001080123.3 and 1 more transcripts); c.133_156dup, p.Gly52_Thr53insAlaAlaProTrpTrpTrpLeuGly (NM_001271561.3).
Identifiers: ClinVar variation 4873383 (VCV004873383.2).